The following is an entry in ClinVar:

ClinVar aggregate classification (germline): Uncertain significance (1 of 4 stars; one submission).

gnomAD v4.1: 7 of 1,613,252 alleles (0.00043%); highest among the groups gnomAD compares: Non-Finnish European, 0.00059%; no homozygotes.

Submission:

Dasa
Classification: Uncertain significance. Last evaluated: 2025-01-17. Review status: criteria provided, single submitter. Criteria: DASA Assertion Criteria. Collection method: clinical testing. Allele origin: germline.
Comment: NM_000540.3(RYR1):c.11593A>G (p.Ile3865Val) is a missense variant that results in the substitution of isoleucine with valine. This variant is rare in population databases. Computational prediction algorithms are consistent with a benign effect. The currently available literature and clinical evidence are not sufficient to establish a definitive association between this variant and the reported condition. Therefore, this variant is classified as a variant of uncertain significance.

NM_000540.3(RYR1):c.11593A>G (p.Ile3865Val)

Gene: RYR1 (ryanodine receptor 1; plus strand). Cytogenetic location: 19q13.2.
Variant type: single nucleotide variant.
Coding change: c.11593A>G on transcript NM_000540.3 (MANE Select); coding-DNA position 11593, A replaced by G.
Protein change: p.Ile3865Val; replaces isoleucine 3865 with valine.
Molecular consequence: missense variant.
Genome position (GRCh38, 1-based): chr19:38,536,752, A>G. VCF-style: chr19-38536752-A-G. GRCh37 (hg19) VCF-style: chr19-39027392-A-G.
Other names: c.11578A>G, p.Ile3860Val (NM_001042723.2); short protein forms I3860V, I3865V.
Identifiers: ClinVar variation 4886118 (VCV004886118.2).
Genomic context (GRCh38, chr19:38,536,752, plus strand): 5'-CCCTCTCTTTTTCTCTCTTTTCTCCTGCTTCCTCCTCCCATCCTGTTGGCTGCCCCAGTC[A>G]TCAATCGCCAGAACGGTAATTCCCCCAGCCCACCCCCGTGCTGTGCTGCTGTCACCCACC-3'
Protein context (NP_000531.2, residues 3855-3875): LGMVNEDGTV[Ile3865Val]NRQNGEKVMA